The following is an entry in ClinVar:

ClinVar aggregate classification (germline): Uncertain significance. Review status: criteria provided, multiple submitters, no conflicts (2 of 4 stars). 2 submissions from 2 submitters: Uncertain significance (2). Last evaluated 2023-03-27.

Conditions:
Severe myoclonic epilepsy in infancy (DRVT). Also called: Dravet syndrome; SEVERE MYOCLONIC EPILEPSY OF INFANCY; DEVELOPMENTAL AND EPILEPTIC ENCEPHALOPATHY 6A; Severe Myoclonic Epilepsy in Infancy (SMEI); Epileptic encephalopathy, early infantile, 6 (Dravet syndrome). Identifiers: Orphanet 33069, MedGen C0751122, MONDO:0100135, OMIM 607208.

Submissions (2):

GeneDx
Classification: Uncertain significance. Last evaluated: 2023-03-27. Review status: criteria provided, single submitter. Criteria: GeneDx Variant Classification Process June 2021. Collection method: clinical testing. Allele origin: germline. Affected: yes.
Comment: Not observed at significant frequency in large population cohorts (gnomAD); Missense variants in this gene are often considered pathogenic (HGMD); In silico analysis supports that this missense variant has a deleterious effect on protein structure/function; Has not been previously published as pathogenic or benign to our knowledge; This substitution is predicted to be within the transmembrane segment S1 of the third homologous domain

Neuberg Centre For Genomic Medicine, NCGM
Classification: Uncertain significance for Severe myoclonic epilepsy in infancy. Review status: criteria provided, single submitter. Criteria: ACMG Guidelines, 2015. Collection method: clinical testing. Allele origin: germline. Inheritance: Autosomal dominant inheritance. Affected: yes.
Comment: The missense variant c.3697G>A (p.Gly1233Ser) in SCN1A gene has not been reported previously as a pathogenic variant nor as a benign variant, to our knowledge. The p.Gly1233Ser variant is novel (not in any individuals) in gnomAD Exomes and 1000 Genomes. The amino acid Gly at position 1233 is changed to a Ser changing protein sequence and it might alter its composition and physico-chemical properties. The amino acid change p.Gly1233Ser in SCN1A is predicted as conserved by GERP++ and PhyloP across 100 vertebrates. For these reasons, this variant has been classified as Uncertain Significance (VUS).

NM_001165963.4(SCN1A):c.3697G>A (p.Gly1233Ser)

Genes: SCN1A (sodium voltage-gated channel alpha subunit 1; minus strand), LOC102724058 (uncharacterized LOC102724058; plus strand). Cytogenetic location: 2q24.3.
Variant type: single nucleotide variant.
Coding change: c.3697G>A on transcript NM_001165963.4 (MANE Select); coding-DNA position 3697, G replaced by A.
Protein change: p.Gly1233Ser; replaces glycine 1233 with serine.
Molecular consequence: missense variant. On other transcripts: non-coding transcript variant (1).
Genome position (GRCh38, 1-based): chr2:166,013,752, C>T on the plus strand (G>A on the coding strand, the complement: SCN1A is on the minus strand). VCF-style: chr2-166013752-C-T. GRCh37 (hg19) VCF-style: chr2-166870262-C-T.
Other names: c.3613G>A, p.Gly1205Ser (NM_001165964.3, NM_001353957.2, NM_001353958.2); c.3697G>A, p.Gly1233Ser (NM_001202435.3, NM_001353948.2); c.3664G>A, p.Gly1222Ser (NM_001353949.2, NM_001353950.2, NM_001353951.2 and 2 more transcripts); c.3661G>A, p.Gly1221Ser (NM_001353954.2, NM_001353955.2); c.3610G>A, p.Gly1204Ser (NM_001353960.2); c.1255G>A, p.Gly419Ser (NM_001353961.2); short protein forms G1204S, G1205S, G1221S, G1222S, G1233S, G419S.
Identifiers: ClinVar variation 2581808 (VCV002581808.1), dbSNP rs121917911, ClinGen allele CA349055647.